The following is an entry in ClinVar:

ClinVar aggregate classification (germline): Uncertain significance. Review status: criteria provided, single submitter (1 of 4 stars). 2 submissions from 2 submitters: Uncertain significance (1). 1 of the submissions does not count toward it. Last evaluated 2024-05-15.

Conditions:
Oto-palato-digital syndrome, type I (OPD1). Also called: OPD I SYNDROME; OPD SYNDROME 1; Taybi syndrome; Otopalatodigital Syndrome, Type I; Otopalatodigital Syndrome Type 1 (FLNA-OPD1). Identifiers: Orphanet 669, Orphanet 90650, MedGen C0265251, MONDO:0010704, OMIM 311300.

Allele frequency attached by ClinVar (database versions not stated): gnomAD exomes below 0.00001.
gnomAD v4.1: 4 of 1,202,600 alleles (0.00033%); highest among the groups gnomAD compares: Non-Finnish European, 0.00045%; no homozygotes.

Submissions (2):

GeneDx
Classification: Uncertain significance. Last evaluated: 2024-05-15. Review status: criteria provided, single submitter. Criteria: GeneDx Variant Classification Process June 2021. Collection method: clinical testing. Allele origin: germline. Affected: yes.
Comment: Not observed at significant frequency in large population cohorts (gnomAD); In silico analysis indicates that this missense variant does not alter protein structure/function; This variant is associated with the following publications: (PMID: 29300383)

Sbielas Lab-Department of Human Genetics University of Michigan, University of Michigan Medical School
Classification: Likely benign for Oto-palato-digital syndrome, type I. Last evaluated: 2017-10-27. Review status: no assertion criteria provided. Collection method: research. Allele origin: maternal. Not counted in ClinVar's aggregate classification.

Literature cited by the submitters: PubMed 29300383 (cited by Sbielas Lab-Department of Human Genetics University of Michigan, University of Michigan Medical School).

NM_001110556.2(FLNA):c.2309A>G (p.Asn770Ser)

Gene: FLNA (filamin A; minus strand). Cytogenetic location: Xq28.
Variant type: single nucleotide variant.
Coding change: c.2309A>G on transcript NM_001110556.2 (MANE Select); coding-DNA position 2309, A replaced by G.
Protein change: p.Asn770Ser; replaces asparagine 770 with serine.
Molecular consequence: missense variant.
Genome position (GRCh38, 1-based): chrX:154,362,756, T>C on the plus strand (A>G on the coding strand, the complement: FLNA is on the minus strand). VCF-style: chrX-154362756-T-C. GRCh37 (hg19) VCF-style: chrX-153591124-T-C.
Other names: c.2309A>G, p.Asn770Ser (NM_001456.4); short protein forms N770S.
Identifiers: ClinVar variation 488377 (VCV000488377.3), dbSNP rs1557178374, ClinGen allele CA415237538.
Genomic context (GRCh38, chrX:154,362,756, plus strand): 5'-GTGGGCTCGTGGGCCTTGAGCCCTGTCTTGGCTACTCCGGGGCCGTATACTTTGACCTTG[T>C]TGGGGTGGCTGCCAGCTCCCACATTCACCTGCAGGGCACAGGGGCAAGGGCAAGGGCATG-3'
Protein context (NP_001104026.1, residues 760-780): RVNVGAGSHP[Asn770Ser]KVKVYGPGVA